The following is an entry in ClinVar:

NM_001355436.2(SPTB):c.3114delinsAAACAT (p.His1038fs)

Gene: SPTB (spectrin beta, erythrocytic; minus strand). Cytogenetic location: 14q23.3.
Variant type: Indel.
Coding change: c.3114delinsAAACAT on transcript NM_001355436.2 (MANE Select); coding-DNA position 3114, C replaced by AAACAT.
Protein change: p.His1038fs; shifts the reading frame from histidine 1038.
Molecular consequence: frameshift variant.
Genome position (GRCh38, 1-based): chr14:64,786,851, G replaced by ATGTTT on the plus strand (C replaced by AAACAT on the coding strand, the reverse complement: SPTB is on the minus strand). VCF-style: chr14-64786851-G-ATGTTT. GRCh37 (hg19) VCF-style: chr14-65253569-G-ATGTTT.
Other names: c.3114delinsAAACAT, p.His1038fs (NM_001024858.4, NM_001355437.2); short protein forms H1038fs.
Identifiers: ClinVar variation 3382350 (VCV003382350.2).
Genomic context (GRCh38, chr14:64,786,851, plus strand): 5'-CCCCAGCAAGTCCTCCTGGCCCTGCAGGGATTGCTGCAGGCCCTGCCACAGCTCCTCCAA[G>ATGTTT]TGTTTTTGCCGCTGACCAATATCCTCCTTCTGCTCAGGGTGCGAGTCCATCAGCTGCTGG-3'

ClinVar aggregate classification (germline): Likely pathogenic (1 of 4 stars; one submission).

Conditions:
Elliptocytosis 3 (EL3). Identifiers: MedGen C1866810, MONDO:0054780, OMIM 617948.
Hereditary spherocytosis type 2. Also called: SPHEROCYTOSIS, TYPE 2, AUTOSOMAL DOMINANT. Identifiers: Orphanet 822, MedGen C2674219, MONDO:0000913, OMIM 616649.

Submission:

Juno Genomics, Hangzhou Juno Genomics, Inc
Classification: Likely pathogenic for Elliptocytosis 3; Hereditary spherocytosis type 2. Review status: criteria provided, single submitter. Criteria: ACMG Guidelines, 2015. Collection method: clinical testing. Allele origin: germline. Affected: yes.
Comment: Absent from controls (or at extremely low frequency if recessive) in Genome Aggregation Database, Exome Sequencing Project, 1000 Genomes Project, or Exome Aggregation Consortium.;Null variant in a gene where loss of function (LOF) is a known mechanism of disease.